The following is an entry in ClinVar:

ClinVar aggregate classification (germline): Pathogenic (1 of 4 stars; one submission).

Conditions:
EPHB4-associated vascular malformation spectrum. Identifiers: MedGen CN315656, MONDO:0700080.

Submission:

Molecular Genetics, Royal Melbourne Hospital
Classification: Pathogenic for EPHB4-associated vascular malformation spectrum. Last evaluated: 2024-11-04. Review status: criteria provided, single submitter. Criteria: ACMG Guidelines, 2015. Collection method: clinical testing. Allele origin: germline. Inheritance: Autosomal dominant inheritance. Affected: yes.
Comment: This sequence change in EPHB4 is a frameshift variant predicted to create a premature stop codon, p.(Arg739Glufs*9), in biologically relevant exon 13/17 leading to nonsense-mediated decay in a gene in which loss-of-function is an established disease mechanism (PMID: 21348050). Loss-of-function variants are a well-established cause of disease in exon 13 (ClinVar). This variant is absent from the population database gnomAD v4.1. To our knowledge, this variant is novel and has not been previously reported in the relevant scientific literature or databases. Based on the classification scheme RMH Modified ACMG/AMP Guidelines v1.7.0, this variant is classified as PATHOGENIC. Following criteria are met: PM2_Supporting, PM5_Supporting, PVS1

Literature cited by the submitters: PubMed 21348050.

NM_004444.5(EPHB4):c.2215del (p.Arg739fs)

Gene: EPHB4 (EPH receptor B4; minus strand). Cytogenetic location: 7q22.1.
Variant type: Deletion.
Coding change: c.2215del on transcript NM_004444.5 (MANE Select); coding-DNA position 2215, one base deleted (C; older notation c.2215delC).
Protein change: p.Arg739fs; shifts the reading frame from arginine 739.
Molecular consequence: frameshift variant.
Genome position (GRCh38, 1-based): chr7:100,807,484, G deleted on the plus strand (C on the coding strand, the reverse complement: EPHB4 is on the minus strand); the first of 2 consecutive G bases (chr7:100,807,484-100,807,485); deleting either gives the same sequence. VCF-style (leftmost placement, unchanged base first): chr7-100807483-CG-C. GRCh37 (hg19) VCF-style: chr7-100405105-CG-C.
Other names: c.2215delC (NM_004444.5); short protein forms R739fs.
Identifiers: ClinVar variation 3773801 (VCV003773801.1).